The following is an entry in ClinVar:

NM_001184900.3(CARD8):c.998A>G (p.His333Arg)

Gene: CARD8 (caspase recruitment domain family member 8; minus strand). Cytogenetic location: 19q13.33.
Variant type: single nucleotide variant.
Coding change: c.998A>G on transcript NM_001184900.3 (MANE Select); coding-DNA position 998, A replaced by G.
Protein change: p.His333Arg; replaces histidine 333 with arginine.
Molecular consequence: missense variant. On other transcripts: non-coding transcript variant (4).
Genome position (GRCh38, 1-based): chr19:48,230,475, T>C on the plus strand (A>G on the coding strand, the complement: CARD8 is on the minus strand). VCF-style: chr19-48230475-T-C. GRCh37 (hg19) VCF-style: chr19-48733732-T-C.
Other names: c.848A>G, p.His283Arg (NM_001184901.1, NM_001351783.2, NM_001351788.2 and 2 more transcripts); c.998A>G, p.His333Arg (NM_001184902.2, NM_001184903.1, NM_001351782.2); c.683A>G, p.His228Arg (NM_001351784.2, NM_001351787.2, NM_001351791.2 and 1 more transcripts); c.662A>G, p.His221Arg (NM_001351786.2); c.755A>G, p.His252Arg (NM_001351790.2); c.680A>G, p.His227Arg (NM_001365950.1); c.173A>G, p.His58Arg (NM_001426741.1); short protein forms H228R, H283R, H333R, H221R, H58R, H227R, H252R.
Identifiers: ClinVar variation 2864486 (VCV002864486.3), dbSNP rs2514696550, ClinGen allele CA406643626.

ClinVar aggregate classification (germline): Uncertain significance (1 of 4 stars; one submission).

Allele frequency attached by ClinVar (database versions not stated): gnomAD exomes below 0.00001.
gnomAD v4.1: 1 of 1,613,510 alleles (0.000062%); highest among the groups gnomAD compares: South Asian, 0.0011%; no homozygotes.

Submission:

Labcorp Genetics (formerly Invitae), Labcorp
Classification: Uncertain significance. Last evaluated: 2023-05-15. Review status: criteria provided, single submitter. Criteria: Invitae Variant Classification Sherloc (09022015). Collection method: clinical testing. Allele origin: germline.
Comment: This sequence change replaces histidine, which is basic and polar, with arginine, which is basic and polar, at codon 283 of the CARD8 protein (p.His283Arg). This variant is not present in population databases (gnomAD no frequency). This variant has not been reported in the literature in individuals affected with CARD8-related conditions. An algorithm developed to predict the effect of missense changes on protein structure and function (PolyPhen-2) suggests that this variant is likely to be disruptive. In summary, the available evidence is currently insufficient to determine the role of this variant in disease. Therefore, it has been classified as a Variant of Uncertain Significance.